The following is an entry in ClinVar:

NM_139076.3(ABRAXAS1):c.1054G>C (p.Asp352His)

Gene: ABRAXAS1 (abraxas 1, BRCA1 A complex subunit; minus strand). Cytogenetic location: 4q21.23.
Variant type: single nucleotide variant.
Coding change: c.1054G>C on transcript NM_139076.3 (MANE Select); coding-DNA position 1054, G replaced by C.
Protein change: p.Asp352His; replaces aspartic acid 352 with histidine.
Molecular consequence: missense variant.
Genome position (GRCh38, 1-based): chr4:83,462,645, C>G on the plus strand (G>C on the coding strand, the complement: ABRAXAS1 is on the minus strand). VCF-style: chr4-83462645-C-G. GRCh37 (hg19) VCF-style: chr4-84383798-C-G.
Other names: c.727G>C, p.Asp243His (NM_001345962.2); short protein forms D352H, D243H.
Identifiers: ClinVar variation 3447970 (VCV003447970.1).

ClinVar aggregate classification (germline): Uncertain significance (1 of 4 stars; one submission).

Submission:

Ambry Genetics
Classification: Uncertain significance. Last evaluated: 2024-10-21. Review status: criteria provided, single submitter. Criteria: Ambry Variant Classification Scheme 2023. Collection method: clinical testing. Allele origin: germline.
Comment: The p.D352H variant (also known as c.1054G>C), located in coding exon 9 of the FAM175A gene, results from a G to C substitution at nucleotide position 1054. The aspartic acid at codon 352 is replaced by histidine, an amino acid with similar properties. This amino acid position is conserved. In addition, this alteration is predicted to be tolerated by in silico analysis. Based on the available evidence, the clinical significance of this variant remains unclear.